The following is an entry in ClinVar:

ClinVar aggregate classification (germline): Pathogenic (1 of 4 stars; one submission).

Submission:

GeneDx
Classification: Pathogenic. Last evaluated: 2026-03-03. Review status: criteria provided, single submitter. Criteria: GeneDx Variant Classification Process June 2021. Collection method: clinical testing. Allele origin: germline.
Comment: Nonsense variant predicted to result in protein truncation or nonsense mediated decay in a gene for which loss of function is a known mechanism of disease; Not observed at significant frequency in large population cohorts (gnomAD); Has not been previously published as pathogenic or benign to our knowledge

NM_001367721.1(CASK):c.1840C>T (p.Gln614Ter)

Gene: CASK (calcium/calmodulin dependent serine protein kinase; minus strand). Cytogenetic location: Xp11.4.
Variant type: single nucleotide variant.
Coding change: c.1840C>T on transcript NM_001367721.1 (MANE Select); coding-DNA position 1840, C replaced by T.
Protein change: p.Gln614Ter; replaces glutamine 614 with a stop codon.
Molecular consequence: nonsense.
Genome position (GRCh38, 1-based): chrX:41,555,602, G>A on the plus strand (C>T on the coding strand, the complement: CASK is on the minus strand). VCF-style: chrX-41555602-G-A. GRCh37 (hg19) VCF-style: chrX-41414855-G-A.
Other names: c.1771C>T, p.Gln591Ter (NM_001126054.3); c.1753C>T, p.Gln585Ter (NM_001126055.3); c.1822C>T, p.Gln608Ter (NM_001410745.1); c.1840C>T, p.Gln614Ter (NM_003688.4); short protein forms Q585*, Q591*, Q608*, Q614*.
Identifiers: ClinVar variation 4975122 (VCV004975122.1).